The following is an entry in ClinVar:

ClinVar aggregate classification (germline): Uncertain significance. Review status: criteria provided, multiple submitters, no conflicts (2 of 4 stars). 3 submissions from 3 submitters: Uncertain significance (3). Last evaluated 2022-09-01.

Conditions:
Asphyxiating thoracic dystrophy 5 (SRTD5). Also called: SHORT-RIB THORACIC DYSPLASIA 5 WITHOUT POLYDACTYLY; SHORT-RIB THORACIC DYSPLASIA 5 WITH OR WITHOUT POLYDACTYLY. Identifiers: Orphanet 474, MedGen C3280598, MONDO:0013717, OMIM 614376.
Nephronophthisis 13 (NPHP13). Identifiers: Orphanet 655, MedGen C3280612, MONDO:0013718, OMIM 614377.
Cranioectodermal dysplasia 4 (CED4). Identifiers: Orphanet 1515, MedGen C3280616, MONDO:0013719, OMIM 614378.
Spermatogenic failure 72 (SPGF72). Identifiers: MedGen C5676980, MONDO:0030809, OMIM 619867.
Senior-Loken syndrome 8 (SLSN8). Identifiers: Orphanet 3156, MedGen C4225376, MONDO:0014579, OMIM 616307.

Allele frequency attached by ClinVar (database versions not stated): ExAC 0.00001; gnomAD exomes 0.00001; gnomAD 0.00002.
gnomAD v4.1: 32 of 1,612,710 alleles (0.002%); highest among the groups gnomAD compares: Admixed American, 0.005%; no homozygotes.

Submissions (3):

Labcorp Genetics (formerly Invitae), Labcorp
Classification: Uncertain significance for Senior-Loken syndrome 8; Asphyxiating thoracic dystrophy 5. Last evaluated: 2022-09-01. Review status: criteria provided, single submitter. Criteria: Invitae Variant Classification Sherloc (09022015). Collection method: clinical testing. Allele origin: germline.
Comment: This sequence change replaces threonine, which is neutral and polar, with lysine, which is basic and polar, at codon 985 of the WDR19 protein (p.Thr985Lys). This variant is present in population databases (rs769807270, gnomAD 0.006%). This variant has not been reported in the literature in individuals affected with WDR19-related conditions. ClinVar contains an entry for this variant (Variation ID: 1368531). Algorithms developed to predict the effect of missense changes on protein structure and function (SIFT, PolyPhen-2, Align-GVGD) all suggest that this variant is likely to be tolerated. In summary, the available evidence is currently insufficient to determine the role of this variant in disease. Therefore, it has been classified as a Variant of Uncertain Significance.

Fulgent Genetics
Classification: Uncertain significance for Asphyxiating thoracic dystrophy 5; Nephronophthisis 13; Cranioectodermal dysplasia 4; Senior-Loken syndrome 8; Spermatogenic failure 72. Last evaluated: 2022-05-19. Review status: criteria provided, single submitter. Criteria: ACMG Guidelines, 2015. Collection method: clinical testing. Allele origin: unknown.

Blueprint Genetics
Classification: Uncertain significance. Last evaluated: 2022-02-07. Review status: criteria provided, single submitter. Criteria: ACMG Guidelines, 2015. Collection method: clinical testing. Allele origin: germline.

NM_025132.4(WDR19):c.2954C>A (p.Thr985Lys)

Gene: WDR19 (WD repeat domain 19; plus strand). Cytogenetic location: 4p14.
Variant type: single nucleotide variant.
Coding change: c.2954C>A on transcript NM_025132.4 (MANE Select); coding-DNA position 2954, C replaced by A.
Protein change: p.Thr985Lys; replaces threonine 985 with lysine.
Molecular consequence: missense variant.
Genome position (GRCh38, 1-based): chr4:39,253,983, C>A. VCF-style: chr4-39253983-C-A. GRCh37 (hg19) VCF-style: chr4-39255603-C-A.
Other names: c.2474C>A, p.Thr825Lys (NM_001317924.2); short protein forms T985K, T825K.
Identifiers: ClinVar variation 1368531 (VCV001368531.7), dbSNP rs769807270, ClinGen allele CA2892224.